The following is an entry in ClinVar:

NM_004360.5(CDH1):c.2165-17C>T

Gene: CDH1 (cadherin 1; plus strand). Cytogenetic location: 16q22.1.
Variant type: single nucleotide variant.
Coding change: c.2165-17C>T on transcript NM_004360.5 (MANE Select); 17 bases into the intron before coding-DNA position 2165, C replaced by T.
Molecular consequence: intron variant.
Genome position (GRCh38, 1-based): chr16:68,828,157, C>T. VCF-style: chr16-68828157-C-T. GRCh37 (hg19) VCF-style: chr16-68862060-C-T.
Other names: c.2165-17C>T (LRG_301t1); c.617-17C>T (NM_001317185.2); c.200-17C>T (NM_001317186.2); c.1982-17C>T (NM_001317184.2).
Identifiers: ClinVar variation 182384 (VCV000182384.13), dbSNP rs730881657, ClinGen allele CA298955.

ClinVar aggregate classification (germline): Conflicting classifications of pathogenicity. Review status: criteria provided, conflicting classifications (1 of 4 stars). 5 submissions from 5 submitters: Uncertain significance (1); Benign (1); Likely benign (3). Last evaluated 2025-12-24.

Conditions:
Hereditary cancer-predisposing syndrome. Also called: Tumor predisposition; Hereditary Cancer Syndrome; Hereditary neoplastic syndrome; Neoplastic Syndromes, Hereditary. Identifiers: Orphanet 140162, MedGen C0027672, MeSH D009386, MONDO:0015356.
Hereditary breast ovarian cancer syndrome. Also called: Breast and ovarian cancer; Hereditary breast and ovarian cancer syndrome; Hereditary breast and ovarian cancer; BRCA1- and BRCA2-Associated Hereditary Breast and Ovarian Cancer; Hereditary breast and ovarian cancer syndrome (HBOC); Hereditary breast and/or ovarian cancer syndrome. Identifiers: Orphanet 145, MedGen C0677776, MeSH D061325, MONDO:0003582. Disease mechanism: loss of function.
Hereditary diffuse gastric adenocarcinoma (HDGC). Also called: DIFFUSE GASTRIC AND LOBULAR BREAST CANCER SYNDROME. Identifiers: Orphanet 26106, MedGen C1708349, MONDO:0007648, OMIM 137215.

Allele frequency attached by ClinVar (database versions not stated): gnomAD exomes below 0.00001 and 0.00001; TOPMed below 0.00001.
gnomAD v4.1: 16 of 1,613,588 alleles (0.00099%); highest among the groups gnomAD compares: Non-Finnish European, 0.0014%; no homozygotes.

Submissions (5):

Labcorp Genetics (formerly Invitae), Labcorp
Classification: Likely benign for Hereditary diffuse gastric adenocarcinoma. Last evaluated: 2025-12-24. Review status: criteria provided, single submitter. Criteria: Invitae Variant Classification Sherloc (09022015). Collection method: clinical testing. Allele origin: germline.

German Consortium for Hereditary Breast and Ovarian Cancer, University Hospital Cologne
Classification: Uncertain significance for Hereditary breast ovarian cancer syndrome. Last evaluated: 2025-07-08. Review status: criteria provided, single submitter. Criteria: ClinGen CDH1 V3.1.0. Collection method: curation. Allele origin: germline.
Comment: This classification follows the ClinGen ACMG CDH1 v3.1.0 classification scheme; We chose these criteria: PM2 (supporting pathogenic): absent from gnomAD v3.1.2 (non-cancer) gnomAD v2.1.1 1x 251274 alleles (thus <= One out of 100,000 alleles) gnomAD v4.1.0 Grpmax Filtering AF = 0.000008030 (thus < ≤ One out of 50,000), BP4 (supporting benign): three in silico splicing predictors (SliceAI, SSF, MaxEntScan) in agreement: no observes splicing defect

Myriad Genetics, Inc.
Classification: Likely benign for Hereditary diffuse gastric adenocarcinoma. Last evaluated: 2024-09-20. Review status: criteria provided, single submitter. Criteria: Myriad Autosomal Dominant, Autosomal Recessive and X-Linked Classification Criteria (2023). Collection method: clinical testing. Allele origin: unknown.
Comment: This variant is considered likely benign. This variant is intronic and is not expected to impact mRNA splicing.

Color Diagnostics, LLC DBA Color Health
Classification: Likely benign for Hereditary cancer-predisposing syndrome. Last evaluated: 2017-05-22. Review status: criteria provided, single submitter. Criteria: ACMG Guidelines, 2015. Collection method: clinical testing. Allele origin: germline.

GeneDx
Classification: Benign. Last evaluated: 2014-10-07. Review status: criteria provided, single submitter. Criteria: GeneDx Variant Classification (06012015). Collection method: clinical testing. Allele origin: germline. Affected: yes.
Comment: This variant is considered likely benign or benign based on one or more of the following criteria: it is a conservative change, it occurs at a poorly conserved position in the protein, it is predicted to be benign by multiple in silico algorithms, and/or has population frequency not consistent with disease.